The following is an entry in ClinVar:

ClinVar aggregate classification (germline): Uncertain significance (1 of 4 stars; one submission).

gnomAD v4.1: 18 of 1,607,648 alleles (0.0011%); highest among the groups gnomAD compares: African/African-American, 0.004%; no homozygotes.

Submission:

Labcorp Genetics (formerly Invitae), Labcorp
Classification: Uncertain significance. Last evaluated: 2025-10-22. Review status: criteria provided, single submitter. Criteria: Invitae Variant Classification Sherloc (09022015). Collection method: clinical testing. Allele origin: germline.
Comment: This sequence change creates a premature translational stop signal (p.Arg388*) in the TRAP1 gene. It is expected to result in an absent or disrupted protein product. However, the current clinical and genetic evidence is not sufficient to establish whether loss-of-function variants in TRAP1 cause disease. The frequency data for this variant in the population databases is considered unreliable, as metrics indicate poor data quality at this position in the gnomAD database. This variant has not been reported in the literature in individuals affected with TRAP1-related conditions. In summary, the available evidence is currently insufficient to determine the role of this variant in disease. Therefore, it has been classified as a Variant of Uncertain Significance.

NM_016292.3(TRAP1):c.1162C>T (p.Arg388Ter)

Gene: TRAP1 (TNF receptor associated protein 1; minus strand). Cytogenetic location: 16p13.3.
Variant type: single nucleotide variant.
Coding change: c.1162C>T on transcript NM_016292.3 (MANE Select); coding-DNA position 1162, C replaced by T.
Protein change: p.Arg388Ter; replaces arginine 388 with a stop codon.
Molecular consequence: nonsense.
Genome position (GRCh38, 1-based): chr16:3,672,703, G>A on the plus strand (C>T on the coding strand, the complement: TRAP1 is on the minus strand). VCF-style: chr16-3672703-G-A. GRCh37 (hg19) VCF-style: chr16-3722704-G-A.
Other names: c.1003C>T, p.Arg335Ter (NM_001272049.2); short protein forms R335*, R388*.
Identifiers: ClinVar variation 4708556 (VCV004708556.1).